The following is an entry in ClinVar:

ClinVar aggregate classification (germline): Uncertain significance (1 of 4 stars; one submission).

Conditions:
Early-infantile DEE. Also called: Ohtahara syndrome; Early infantile epileptic encephalopathy; Early infantile epileptic encephalopathy with suppression bursts. Identifiers: Orphanet 1934, MedGen C0393706, MONDO:0800491.

Submission:

Labcorp Genetics (formerly Invitae), Labcorp
Classification: Uncertain significance for Early-infantile DEE. Last evaluated: 2020-11-14. Review status: criteria provided, single submitter. Criteria: Invitae Variant Classification Sherloc (09022015). Collection method: clinical testing. Allele origin: germline.
Comment: This sequence change replaces leucine with phenylalanine at codon 329 of the KCNH5 protein (p.Leu329Phe). The leucine residue is highly conserved and there is a small physicochemical difference between leucine and phenylalanine. This variant is not present in population databases (ExAC no frequency). This variant has not been reported in the literature in individuals with KCNH5-related conditions. Advanced modeling of protein sequence and biophysical properties (such as structural, functional, and spatial information, amino acid conservation, physicochemical variation, residue mobility, and thermodynamic stability) performed at Invitae indicates that this missense variant is expected to disrupt KCNH5 protein function. In summary, the available evidence is currently insufficient to determine the role of this variant in disease. Therefore, it has been classified as a Variant of Uncertain Significance.

NM_139318.5(KCNH5):c.987A>T (p.Leu329Phe)

Gene: KCNH5 (potassium voltage-gated channel subfamily H member 5; minus strand). Cytogenetic location: 14q23.2.
Variant type: single nucleotide variant.
Coding change: c.987A>T on transcript NM_139318.5 (MANE Select); coding-DNA position 987, A replaced by T.
Protein change: p.Leu329Phe; replaces leucine 329 with phenylalanine.
Molecular consequence: missense variant.
Genome position (GRCh38, 1-based): chr14:62,950,515, T>A on the plus strand (A>T on the coding strand, the complement: KCNH5 is on the minus strand). VCF-style: chr14-62950515-T-A. GRCh37 (hg19) VCF-style: chr14-63417233-T-A.
Other names: c.987A>T, p.Leu329Phe (NM_172375.3); short protein forms L329F.
Identifiers: ClinVar variation 1490127 (VCV001490127.9), dbSNP rs2140130662, ClinGen allele CA390103504.
Genomic context (GRCh38, chr14:62,950,515, plus strand): 5'-GAGGACTGCTGCTCCATATTCTAGGTAATGGTCCAGTTTCCTAGCCACACGGCCCAGTCG[T>A]AAGAGACGCACCACTTTTAAAGAACTGAAGAGACTGCTGATTCCCTGGATTTAAAAAAAA-3'
Protein context (NP_647479.2, residues 319-339): LFSSLKVVRL[Leu329Phe]RLGRVARKLD